The following is an entry in ClinVar:

ClinVar aggregate classification (germline): Pathogenic (1 of 4 stars; one submission).

Conditions:
Niemann-Pick disease, type C1. Also called: NEUROVISCERAL STORAGE DISEASE WITH VERTICAL SUPRANUCLEAR OPHTHALMOPLEGIA; NIEMANN-PICK DISEASE WITH CHOLESTEROL ESTERIFICATION BLOCK; NIEMANN-PICK DISEASE WITHOUT SPHINGOMYELINASE DEFICIENCY; NIEMANN-PICK DISEASE, CHRONIC NEURONOPATHIC FORM; NIEMANN-PICK DISEASE, VARIANT TYPE C1. Identifiers: Orphanet 646, MedGen C3179455, MONDO:0009757, OMIM 257220.

Submission:

Labcorp Genetics (formerly Invitae), Labcorp
Classification: Pathogenic for Niemann-Pick disease, type C1. Last evaluated: 2022-05-28. Review status: criteria provided, single submitter. Criteria: Invitae Variant Classification Sherloc (09022015). Collection method: clinical testing. Allele origin: germline.
Comment: This variant is not present in population databases (gnomAD no frequency). This variant has not been reported in the literature in individuals affected with NPC1-related conditions. For these reasons, this variant has been classified as Pathogenic. This sequence change creates a premature translational stop signal (p.Pro540Argfs*13) in the NPC1 gene. It is expected to result in an absent or disrupted protein product. Loss-of-function variants in NPC1 are known to be pathogenic (PMID: 9211850).

Literature cited by the submitters: PubMed 9211850.

NM_000271.5(NPC1):c.1618_1619insGTAC (p.Pro540fs)

Gene: NPC1 (NPC intracellular cholesterol transporter 1; minus strand). Cytogenetic location: 18q11.2.
Variant type: Insertion.
Coding change: c.1618_1619insGTAC on transcript NM_000271.5 (MANE Select); coding-DNA positions 1618 to 1619, GTAC inserted.
Protein change: p.Pro540fs; shifts the reading frame from proline 540.
Molecular consequence: frameshift variant.
Genome position: GRCh38 VCF-style: chr18-23551662-G-GGTAC. GRCh37 (hg19) VCF-style: chr18-21131626-G-GGTAC.
Other names: short protein forms P540fs.
Identifiers: ClinVar variation 2135408 (VCV002135408.4), dbSNP rs2511262780, ClinGen allele CA2580095504.